The following is an entry in ClinVar:

NM_002234.4(KCNA5):c.196C>T (p.Pro66Ser)

Gene: KCNA5 (potassium voltage-gated channel subfamily A member 5; plus strand). Cytogenetic location: 12p13.32.
Variant type: single nucleotide variant.
Coding change: c.196C>T on transcript NM_002234.4 (MANE Select); coding-DNA position 196, C replaced by T.
Protein change: p.Pro66Ser; replaces proline 66 with serine.
Molecular consequence: missense variant.
Genome position (GRCh38, 1-based): chr12:5,044,343, C>T. VCF-style: chr12-5044343-C-T. GRCh37 (hg19) VCF-style: chr12-5153509-C-T.
Other names: short protein forms P66S.
Identifiers: ClinVar variation 665674 (VCV000665674.15), dbSNP rs368699451, ClinGen allele CA6399563.

ClinVar aggregate classification (germline): Uncertain significance. Review status: criteria provided, multiple submitters, no conflicts (2 of 4 stars). 3 submissions from 3 submitters: Uncertain significance (3). Last evaluated 2025-05-29.

Conditions:
Atrial fibrillation, familial, 7 (ATFB7). Identifiers: MedGen C2677106, MONDO:0012828, OMIM 612240.

Allele frequency attached by ClinVar (database versions not stated): gnomAD exomes 0.00003; ExAC 0.00006; TOPMed 0.00006; gnomAD 0.00010 and 0.00011; 1000 Genomes Project 0.00040.

Submissions (3):

Labcorp Genetics (formerly Invitae), Labcorp
Classification: Uncertain significance for Atrial fibrillation, familial, 7. Last evaluated: 2025-05-29. Review status: criteria provided, single submitter. Criteria: Invitae Variant Classification Sherloc (09022015). Collection method: clinical testing. Allele origin: germline.
Comment: This sequence change replaces proline, which is neutral and non-polar, with serine, which is neutral and polar, at codon 66 of the KCNA5 protein (p.Pro66Ser). This variant is present in population databases (rs368699451, gnomAD 0.02%). This missense change has been observed in individual(s) with atrioventricular nodal reentry tachycardia (PMID: 32508047). ClinVar contains an entry for this variant (Variation ID: 665674). Experimental studies and prediction algorithms are not available or were not evaluated, and the functional significance of this variant is currently unknown. In summary, the available evidence is currently insufficient to determine the role of this variant in disease. Therefore, it has been classified as a Variant of Uncertain Significance.

GeneDx
Classification: Uncertain significance. Last evaluated: 2025-03-14. Review status: criteria provided, single submitter. Criteria: GeneDx Variant Classification Process June 2021. Collection method: clinical testing. Allele origin: germline. Affected: yes.
Comment: Reported in association with atrioventricular nodal reentry tachycardia in published literature (PMID: 32508047); In silico analysis indicates that this missense variant does not alter protein structure/function; This variant is associated with the following publications: (PMID: 32508047)

Fulgent Genetics
Classification: Uncertain significance for Atrial fibrillation, familial, 7. Last evaluated: 2021-08-20. Review status: criteria provided, single submitter. Criteria: ACMG Guidelines, 2015. Collection method: clinical testing. Allele origin: unknown.

Literature cited by the submitters: PubMed 32508047 (cited by Labcorp Genetics (formerly Invitae), Labcorp).